The following is an entry in ClinVar:

NM_002734.5(PRKAR1A):c.-7+7G>T

Gene: PRKAR1A (protein kinase cAMP-dependent type I regulatory subunit alpha; plus strand). Cytogenetic location: 17q24.2.
Variant type: single nucleotide variant.
Coding change: c.-7+7G>T on transcript NM_002734.5 (MANE Select); 7 bases into the intron after 7 bases upstream of the start codon, G replaced by T.
Molecular consequence: intron variant. On other transcripts: 5 prime UTR variant (1).
Genome position (GRCh38, 1-based): chr17:68,512,555, G>T. VCF-style: chr17-68512555-G-T. GRCh37 (hg19) VCF-style: chr17-66508696-G-T.
Other names: c.-31G>T (NM_212472.2); c.-6-2839G>T (NM_001278433.2); c.-140+413G>T (NM_001369389.1); c.-7+413G>T (NM_212471.3); c.-140+7G>T (NM_001276289.2).
Identifiers: ClinVar variation 1953196 (VCV001953196.5), dbSNP rs2143091112, ClinGen allele CA2580095028.

ClinVar aggregate classification (germline): Uncertain significance (1 of 4 stars; one submission).

Conditions:
Carney complex, type 1 (CNC1). Also called: CARNEY MYXOMA-ENDOCRINE COMPLEX; CARNEY COMPLEX, TYPE I. Identifiers: Orphanet 1359, MedGen C2607929, MONDO:0008057, OMIM 160980.

Submission:

Labcorp Genetics (formerly Invitae), Labcorp
Classification: Uncertain significance for Carney complex, type 1. Last evaluated: 2022-07-14. Review status: criteria provided, single submitter. Criteria: Invitae Variant Classification Sherloc (09022015). Collection method: clinical testing. Allele origin: germline.
Comment: This variant occurs in a non-coding region of the PRKAR1A gene. It does not change the encoded amino acid sequence of the PRKAR1A protein. In summary, the available evidence is currently insufficient to determine the role of this variant in disease. Therefore, it has been classified as a Variant of Uncertain Significance. Algorithms developed to predict the effect of sequence changes on RNA splicing suggest that this variant is not likely to affect RNA splicing. This variant has not been reported in the literature in individuals affected with PRKAR1A-related conditions. This variant is not present in population databases (gnomAD no frequency).